The following is an entry in ClinVar:

NM_001009944.3(PKD1):c.11198C>T (p.Pro3733Leu)

Genes: PKD1 (polycystin 1, transient receptor potential channel interacting; minus strand), PKD1-AS1 (PKD1 antisense RNA 1; plus strand). Cytogenetic location: 16p13.3.
Variant type: single nucleotide variant.
Coding change: c.11198C>T on transcript NM_001009944.3 (MANE Select); coding-DNA position 11198, C replaced by T.
Protein change: p.Pro3733Leu; replaces proline 3733 with leucine.
Molecular consequence: missense variant.
Genome position (GRCh38, 1-based): chr16:2,092,551, G>A on the plus strand (C>T on the coding strand, the complement: PKD1 is on the minus strand). VCF-style: chr16-2092551-G-A. GRCh37 (hg19) VCF-style: chr16-2142552-G-A.
Other names: c.11195C>T (NM_000296.3); c.11195C>T, p.Pro3732Leu (NM_000296.4); short protein forms P3732L, P3733L.
Identifiers: ClinVar variation 1701270 (VCV001701270.33), dbSNP rs2091644809, ClinGen allele CA394336326.

ClinVar aggregate classification (germline): Uncertain significance. Review status: criteria provided, multiple submitters, no conflicts (2 of 4 stars). 3 submissions from 3 submitters: Uncertain significance (3). Last evaluated 2024-04-01.

Conditions:
Inborn genetic diseases. Identifiers: MedGen C0950123, MeSH D030342.
Polycystic kidney disease, adult type (PKD1). Also called: POLYCYSTIC KIDNEY DISEASE, ADULT, TYPE I; POLYCYSTIC KIDNEY DISEASE 1 WITH OR WITHOUT POLYCYSTIC LIVER DISEASE; Polycystic Kidney Disease 1, Autosomal Dominant; Polycystic kidney disease 1; Polycystic kidney disease 1, severe; Polycystic Kidney, Autosomal Dominant. Identifiers: MedGen C3149841, MONDO:0008263, OMIM 173900.

Allele frequency attached by ClinVar (database versions not stated): gnomAD exomes below 0.00001; gnomAD 0.00002; TOPMed 0.00006.
gnomAD v4.1: 5 of 1,612,470 alleles (0.00031%); highest among the groups gnomAD compares: Admixed American, 0.0083%; no homozygotes.

Submissions (3):

Fulgent Genetics
Classification: Uncertain significance for Polycystic kidney disease, adult type. Last evaluated: 2024-04-01. Review status: criteria provided, single submitter. Criteria: ACMG Guidelines, 2015. Collection method: clinical testing. Allele origin: germline.

Ambry Genetics
Classification: Uncertain significance for Inborn genetic diseases. Last evaluated: 2024-02-12. Review status: criteria provided, single submitter. Criteria: Ambry Variant Classification Scheme 2023. Collection method: clinical testing. Allele origin: germline.

CeGaT Center for Human Genetics Tuebingen
Classification: Uncertain significance. Last evaluated: 2022-07-01. Review status: criteria provided, single submitter. Criteria: CeGaT Center For Human Genetics Tuebingen Variant Classification Criteria Version 2. Collection method: clinical testing. Allele origin: germline. Affected: yes. Observed: 1 variant allele.
Comment: PKD1: PM2, BP5